The following is an entry in ClinVar:

ClinVar aggregate classification (germline): Conflicting classifications of pathogenicity. Review status: criteria provided, conflicting classifications (1 of 4 stars). 6 submissions from 6 submitters: Uncertain significance (1); Benign (1); Likely benign (4). Last evaluated 2026-03-02.

Conditions:
APC-related disorder. Also called: APC-related condition.
Hereditary cancer-predisposing syndrome. Also called: Neoplastic Syndromes, Hereditary; Tumor predisposition; Hereditary Cancer Syndrome; Hereditary neoplastic syndrome. Identifiers: Orphanet 140162, MedGen C0027672, MeSH D009386, MONDO:0015356.
Familial adenomatous polyposis 1 (FAP1). Also called: FAMILIAL ADENOMATOUS POLYPOSIS 1, ATTENUATED; POLYPOSIS, ADENOMATOUS INTESTINAL. Identifiers: MedGen C2713442, MONDO:0021056, OMIM 175100. Disease mechanism: loss of function.

Allele frequency attached by ClinVar (database versions not stated): gnomAD exomes 0.00002 and 0.00004; TOPMed 0.00002; ExAC 0.00003.
gnomAD v4.1: 11 of 1,614,140 alleles (0.00068%); highest among the groups gnomAD compares: Admixed American, 0.018%; no homozygotes.

Submissions (6):

PreventionGenetics, part of Exact Sciences
Classification: Likely benign for APC-related condition. Last evaluated: 2026-03-02. Review status: criteria provided, single submitter. Criteria: ACMG Guidelines, 2015. Collection method: clinical testing. Allele origin: germline.
Comment: This variant is classified as likely benign based on ACMG/AMP sequence variant interpretation guidelines (Richards et al. 2015 PMID: 25741868, with internal and published modifications).

Labcorp Genetics (formerly Invitae), Labcorp
Classification: Likely benign for Familial adenomatous polyposis 1. Last evaluated: 2025-11-10. Review status: criteria provided, single submitter. Criteria: Invitae Variant Classification Sherloc (09022015). Collection method: clinical testing. Allele origin: germline.

Quest Diagnostics Nichols Institute San Juan Capistrano
Classification: Likely benign. Last evaluated: 2025-01-31. Review status: criteria provided, single submitter. Criteria: Quest Diagnostics criteria. Collection method: clinical testing. Allele origin: unknown.

GeneDx
Classification: Uncertain significance. Last evaluated: 2023-10-24. Review status: criteria provided, single submitter. Criteria: GeneDx Variant Classification Process June 2021. Collection method: clinical testing. Allele origin: germline. Affected: yes.
Comment: In silico analysis supports that this missense variant does not alter protein structure/function; Has not been previously published as pathogenic or benign to our knowledge; This variant is associated with the following publications: (PMID: 18199528)

Color Diagnostics, LLC DBA Color Health
Classification: Likely benign for Hereditary cancer-predisposing syndrome. Last evaluated: 2023-10-18. Review status: criteria provided, single submitter. Criteria: ACMG Guidelines, 2015. Collection method: clinical testing. Allele origin: germline.

Ambry Genetics
Classification: Benign for Hereditary cancer-predisposing syndrome. Last evaluated: 2022-10-21. Review status: criteria provided, single submitter. Criteria: Ambry Variant Classification Scheme 2023. Collection method: clinical testing. Allele origin: germline.

Literature cited by the submitters: PubMed 29338072 (cited by Quest Diagnostics Nichols Institute San Juan Capistrano); PubMed 36179682 (cited by Quest Diagnostics Nichols Institute San Juan Capistrano).

NM_000038.6(APC):c.3935G>C (p.Gly1312Ala)

Gene: APC (APC regulator of Wnt signaling pathway; plus strand). Cytogenetic location: 5q22.2.
Variant type: single nucleotide variant.
Coding change: c.3935G>C on transcript NM_000038.6 (MANE Select); coding-DNA position 3935, G replaced by C.
Protein change: p.Gly1312Ala; replaces glycine 1312 with alanine.
Molecular consequence: missense variant.
Genome position (GRCh38, 1-based): chr5:112,839,529, G>C. VCF-style: chr5-112839529-G-C. GRCh37 (hg19) VCF-style: chr5-112175226-G-C.
Other names: p.G1312A:GGA>GCA; c.3935G>C, p.Gly1312Ala (NM_001127510.3, NM_001354895.2); c.3881G>C, p.Gly1294Ala (NM_001127511.3); c.3989G>C, p.Gly1330Ala (NM_001354896.2); c.3965G>C, p.Gly1322Ala (NM_001354897.2); c.3860G>C, p.Gly1287Ala (NM_001354898.2); c.3851G>C, p.Gly1284Ala (NM_001354899.2); c.3812G>C, p.Gly1271Ala (NM_001354900.2); and 6 more; short protein forms G1312A, G1294A, G1211A, G1271A, G1322A, G1186A, G1253A, G1029A.
Identifiers: ClinVar variation 127291 (VCV000127291.25), dbSNP rs587779791, ClinGen allele CA008783.